The following is an entry in ClinVar:

NM_005431.2(XRCC2):c.528T>C (p.Cys176=)

Gene: XRCC2 (X-ray repair cross complementing 2; minus strand). Cytogenetic location: 7q36.1.
Variant type: single nucleotide variant.
Coding change: c.528T>C on transcript NM_005431.2 (MANE Select); coding-DNA position 528, T replaced by C.
Protein change: p.Cys176=; no amino-acid change (cysteine 176 retained).
Molecular consequence: synonymous variant.
Genome position (GRCh38, 1-based): chr7:152,648,957, A>G on the plus strand (T>C on the coding strand, the complement: XRCC2 is on the minus strand). VCF-style: chr7-152648957-A-G. GRCh37 (hg19) VCF-style: chr7-152346042-A-G.
Identifiers: ClinVar variation 379802 (VCV000379802.19), dbSNP rs765796648, ClinGen allele CA4582333.

ClinVar aggregate classification (germline): Likely benign. Review status: criteria provided, multiple submitters, no conflicts (2 of 4 stars). 5 submissions from 5 submitters: Likely benign (4). 1 of the submissions does not count toward it. Last evaluated 2025-09-05.

Conditions:
Hereditary cancer-predisposing syndrome. Also called: Tumor predisposition; Hereditary neoplastic syndrome; Neoplastic Syndromes, Hereditary; Hereditary Cancer Syndrome. Identifiers: Orphanet 140162, MedGen C0027672, MeSH D009386, MONDO:0015356.
XRCC2-related disorder. Also called: XRCC2-related condition.

Allele frequency attached by ClinVar (database versions not stated): gnomAD exomes 0.00001; TOPMed 0.00001; ExAC 0.00002.
gnomAD v4.1: 20 of 1,614,228 alleles (0.0012%); highest among the groups gnomAD compares: Middle Eastern, 0.033%; no homozygotes.

Submissions (5):

Quest Diagnostics Nichols Institute San Juan Capistrano
Classification: Likely benign. Last evaluated: 2025-09-05. Review status: criteria provided, single submitter. Criteria: Quest Diagnostics criteria. Collection method: clinical testing. Allele origin: unknown.

Labcorp Genetics (formerly Invitae), Labcorp
Classification: Likely benign. Last evaluated: 2024-02-15. Review status: criteria provided, single submitter. Criteria: Invitae Variant Classification Sherloc (09022015). Collection method: clinical testing. Allele origin: germline.

Ambry Genetics
Classification: Likely benign for Hereditary cancer-predisposing syndrome. Last evaluated: 2018-07-27. Review status: criteria provided, single submitter. Criteria: Ambry Variant Classification Scheme 2023. Collection method: clinical testing. Allele origin: germline.

GeneDx
Classification: Likely benign. Last evaluated: 2016-11-25. Review status: criteria provided, single submitter. Criteria: GeneDx Variant Classification (06012015). Collection method: clinical testing. Allele origin: germline. Affected: yes.
Comment: This variant is considered likely benign or benign based on one or more of the following criteria: it is a conservative change, it occurs at a poorly conserved position in the protein, it is predicted to be benign by multiple in silico algorithms, and/or has population frequency not consistent with disease.

PreventionGenetics, part of Exact Sciences
Classification: Likely benign for XRCC2-related condition. Last evaluated: 2019-09-05. Review status: no assertion criteria provided. Collection method: clinical testing. Allele origin: germline. Not counted in ClinVar's aggregate classification.
Comment: This variant is classified as likely benign based on ACMG/AMP sequence variant interpretation guidelines (Richards et al. 2015 PMID: 25741868, with internal and published modifications).